The following is an entry in ClinVar:

ClinVar aggregate classification (germline): Uncertain significance. Review status: criteria provided, multiple submitters, no conflicts (2 of 4 stars). 2 submissions from 2 submitters: Uncertain significance (2). Last evaluated 2022-11-10.

Conditions:
Catecholaminergic polymorphic ventricular tachycardia 3. Identifiers: Orphanet 3286, MedGen C3151463, MONDO:0013529, OMIM 614021.
Cardiovascular phenotype. Identifiers: MedGen CN230736.

Allele frequency attached by ClinVar (database versions not stated): gnomAD exomes below 0.00001; TOPMed 0.00001.

Submissions (2):

Ambry Genetics
Classification: Uncertain significance for Cardiovascular phenotype. Last evaluated: 2022-11-10. Review status: criteria provided, single submitter. Criteria: Ambry Variant Classification Scheme 2023. Collection method: clinical testing. Allele origin: germline.
Comment: The p.V79A variant (also known as c.236T>C), located in coding exon 2 of the TECRL gene, results from a T to C substitution at nucleotide position 236. The valine at codon 79 is replaced by alanine, an amino acid with similar properties. This amino acid position is conserved. In addition, this alteration is predicted to be tolerated by in silico analysis. Since supporting evidence is limited at this time, the clinical significance of this alteration remains unclear.

Center for Genomics, Ann and Robert H. Lurie Children's Hospital of Chicago
Classification: Uncertain significance for Catecholaminergic polymorphic ventricular tachycardia 3. Last evaluated: 2021-03-30. Review status: criteria provided, single submitter. Criteria: ACMG Guidelines, 2015. Collection method: clinical testing. Allele origin: germline.
Comment: TECRL NM_00101087.4 exon 2 p.Val79Ala (c.236T>C): This variant has not been reported in the literature and is not present in large control databases. Evolutionary conservation and computational predictive tools suggest that this variant may not impact the protein. However, splice prediction tools suggest that this variant may affect splicing. Further studies are needed to understand its impact. In summary, data on this variant is insufficient for disease classification. Therefore, the clinical significance of this variant is uncertain.

NM_001010874.5(TECRL):c.236T>C (p.Val79Ala)

Gene: TECRL (trans-2,3-enoyl-CoA reductase like; minus strand). Cytogenetic location: 4q13.1.
Variant type: single nucleotide variant.
Coding change: c.236T>C on transcript NM_001010874.5 (MANE Select); coding-DNA position 236, T replaced by C.
Protein change: p.Val79Ala; replaces valine 79 with alanine.
Molecular consequence: missense variant.
Genome position (GRCh38, 1-based): chr4:64,375,222, A>G on the plus strand (T>C on the coding strand, the complement: TECRL is on the minus strand). VCF-style: chr4-64375222-A-G. GRCh37 (hg19) VCF-style: chr4-65240940-A-G.
Other names: c.236T>C, p.Val79Ala (NM_001363796.1); short protein forms V79A.
Identifiers: ClinVar variation 2497301 (VCV002497301.3), dbSNP rs1285659878, ClinGen allele CA357150355.